The following is an entry in ClinVar:

NM_000484.4(APP):c.1684G>A (p.Val562Ile)

Gene: APP (amyloid beta precursor protein; minus strand). Cytogenetic location: 21q21.3.
Variant type: single nucleotide variant.
Coding change: c.1684G>A on transcript NM_000484.4 (MANE Select); coding-DNA position 1684, G replaced by A.
Protein change: p.Val562Ile; replaces valine 562 with isoleucine.
Molecular consequence: missense variant.
Genome position (GRCh38, 1-based): chr21:25,954,593, C>T on the plus strand (G>A on the coding strand, the complement: APP is on the minus strand). VCF-style: chr21-25954593-C-T. GRCh37 (hg19) VCF-style: chr21-27326907-C-T.
Other names: c.1612G>A, p.Val538Ile (NM_001136016.3); c.1291G>A, p.Val431Ile (NM_001136129.3); c.1516G>A, p.Val506Ile (NM_001136130.3, NM_001385253.1); c.1354G>A, p.Val452Ile (NM_001136131.3); c.1684G>A, p.Val562Ile (NM_001204301.2); c.1627G>A, p.Val543Ile (NM_001204302.2, NM_201413.3); c.1459G>A, p.Val487Ile (NM_001204303.2, NM_201414.3); short protein forms V431I, V452I, V487I, V506I, V538I, V543I, V562I.
Identifiers: ClinVar variation 1021854 (VCV001021854.10), dbSNP rs199586073, ClinGen allele CA9987239.

ClinVar aggregate classification (germline): Conflicting classifications of pathogenicity. Review status: criteria provided, conflicting classifications (1 of 4 stars). 2 submissions from 2 submitters: Uncertain significance (1); Likely benign (1). Last evaluated 2026-07-01.

Conditions:
Alzheimer disease. Also called: Presenile and senile dementia; Alzheimer's disease. Identifiers: Orphanet 1020, MedGen C0002395, MeSH D000544, MONDO:0004975, HP:0002511.

Allele frequency attached by ClinVar (database versions not stated): gnomAD exomes below 0.00001; ExAC 0.00001.
gnomAD v4.1: 29 of 1,612,778 alleles (0.0018%); highest among the groups gnomAD compares: Non-Finnish European, 0.0021%; no homozygotes.

Submissions (2):

CeGaT Center for Human Genetics Tuebingen
Classification: Likely benign. Last evaluated: 2026-07-01. Review status: criteria provided, single submitter. Criteria: CeGaT Center For Human Genetics Tuebingen Variant Classification Criteria Version 2. Collection method: clinical testing. Allele origin: germline. Affected: yes. Observed: 1 variant allele.
Comment: APP: BS2

Labcorp Genetics (formerly Invitae), Labcorp
Classification: Uncertain significance for Alzheimer disease. Last evaluated: 2024-12-09. Review status: criteria provided, single submitter. Criteria: Invitae Variant Classification Sherloc (09022015). Collection method: clinical testing. Allele origin: germline.
Comment: This sequence change replaces valine, which is neutral and non-polar, with isoleucine, which is neutral and non-polar, at codon 562 of the APP protein (p.Val562Ile). This variant is present in population databases (rs199586073, gnomAD 0.0009%). This variant has not been reported in the literature in individuals affected with APP-related conditions. ClinVar contains an entry for this variant (Variation ID: 1021854). Invitae Evidence Modeling of protein sequence and biophysical properties (such as structural, functional, and spatial information, amino acid conservation, physicochemical variation, residue mobility, and thermodynamic stability) indicates that this missense variant is not expected to disrupt APP protein function with a negative predictive value of 95%. Experimental studies have shown that this missense change does not substantially affect APP function (PMID: 32087291). In summary, the available evidence is currently insufficient to determine the role of this variant in disease. Therefore, it has been classified as a Variant of Uncertain Significance.

Literature cited by the submitters: PubMed 32087291 (cited by Labcorp Genetics (formerly Invitae), Labcorp).